The following is an entry in ClinVar:

ClinVar aggregate classification (germline): Uncertain significance (1 of 4 stars; one submission).

Conditions:
Alstrom syndrome (ALMS). Identifiers: Orphanet 64, MedGen C0268425, MONDO:0008763, OMIM 203800.

Allele frequency attached by ClinVar (database versions not stated): gnomAD exomes below 0.00001.
gnomAD v4.1: 2 of 1,613,832 alleles (0.00012%); highest among the groups gnomAD compares: South Asian, 0.0022%; no homozygotes.

Submission:

Labcorp Genetics (formerly Invitae), Labcorp
Classification: Uncertain significance for Alstrom syndrome. Last evaluated: 2023-12-07. Review status: criteria provided, single submitter. Criteria: Invitae Variant Classification Sherloc (09022015). Collection method: clinical testing. Allele origin: germline.
Comment: This sequence change replaces isoleucine, which is neutral and non-polar, with threonine, which is neutral and polar, at codon 3792 of the ALMS1 protein (p.Ile3792Thr). This variant is present in population databases (no rsID available, gnomAD 0.003%). This variant has not been reported in the literature in individuals affected with ALMS1-related conditions. ClinVar contains an entry for this variant (Variation ID: 1895896). Experimental studies and prediction algorithms are not available or were not evaluated, and the functional significance of this variant is currently unknown. In summary, the available evidence is currently insufficient to determine the role of this variant in disease. Therefore, it has been classified as a Variant of Uncertain Significance.

NM_001378454.1(ALMS1):c.11372T>C (p.Ile3791Thr)

Gene: ALMS1 (ALMS1 centrosome and basal body associated protein; plus strand). Cytogenetic location: 2p13.1.
Variant type: single nucleotide variant.
Coding change: c.11372T>C on transcript NM_001378454.1 (MANE Select); coding-DNA position 11372, T replaced by C.
Protein change: p.Ile3791Thr; replaces isoleucine 3791 with threonine.
Molecular consequence: missense variant.
Genome position (GRCh38, 1-based): chr2:73,573,249, T>C. VCF-style: chr2-73573249-T-C. GRCh37 (hg19) VCF-style: chr2-73800376-T-C.
Other names: c.11375T>C, p.Ile3792Thr (NM_015120.4); short protein forms I3791T, I3792T.
Identifiers: ClinVar variation 1895896 (VCV001895896.5), dbSNP rs1410926875, ClinGen allele CA347289339.